The following is an entry in ClinVar:

ClinVar aggregate classification (germline): Likely benign. Review status: criteria provided, multiple submitters, no conflicts (2 of 4 stars). 3 submissions from 3 submitters: Likely benign (2). 1 of the submissions does not count toward it. Last evaluated 2025-11-25.

Conditions:
GP6-related disorder. Also called: GP6-related condition.

Allele frequency attached by ClinVar (database versions not stated): ExAC 0.00013; gnomAD 0.00015; TOPMed 0.00015; 1000 Genomes Project 30x 0.00016; 1000 Genomes Project 0.00020; ESP Exome Variant Server 0.00024.
gnomAD v4.1: 229 of 1,613,834 alleles (0.014%); highest among the groups gnomAD compares: African/African-American, 0.037%; no homozygotes.

Submissions (3):

Labcorp Genetics (formerly Invitae), Labcorp
Classification: Likely benign. Last evaluated: 2025-11-25. Review status: criteria provided, single submitter. Criteria: Invitae Variant Classification Sherloc (09022015). Collection method: clinical testing. Allele origin: germline.

Women's Health and Genetics/Laboratory Corporation of America, LabCorp
Classification: Likely benign. Last evaluated: 2023-09-07. Review status: criteria provided, single submitter. Criteria: LabCorp Variant Classification Summary - May 2015. Collection method: clinical testing. Allele origin: germline.

PreventionGenetics, part of Exact Sciences
Classification: Likely benign for GP6-related condition. Last evaluated: 2019-03-13. Review status: no assertion criteria provided. Collection method: clinical testing. Allele origin: germline. Not counted in ClinVar's aggregate classification.
Comment: This variant is classified as likely benign based on ACMG/AMP sequence variant interpretation guidelines (Richards et al. 2015 PMID: 25741868, with internal and published modifications).

NM_016363.5(GP6):c.60G>A (p.Ala20=)

Gene: GP6 (glycoprotein VI platelet; minus strand). Cytogenetic location: 19q13.42.
Variant type: single nucleotide variant.
Coding change: c.60G>A on transcript NM_016363.5 (MANE Select); coding-DNA position 60, G replaced by A.
Protein change: p.Ala20=; no amino-acid change (alanine 20 retained).
Molecular consequence: synonymous variant.
Genome position (GRCh38, 1-based): chr19:55,032,513, C>T on the plus strand (G>A on the coding strand, the complement: GP6 is on the minus strand). VCF-style: chr19-55032513-C-T. GRCh37 (hg19) VCF-style: chr19-55543881-C-T.
Other names: c.60G>A, p.Ala20= (NM_001083899.2, NM_001256017.2).
Identifiers: ClinVar variation 2200595 (VCV002200595.7), dbSNP rs201025246, ClinGen allele CA310134914.